The following is an entry in ClinVar:

NM_000064.4(C3):c.1522C>G (p.Arg508Gly)

Gene: C3 (complement C3; minus strand). Cytogenetic location: 19p13.3.
Variant type: single nucleotide variant.
Coding change: c.1522C>G on transcript NM_000064.4 (MANE Select); coding-DNA position 1522, C replaced by G.
Protein change: p.Arg508Gly; replaces arginine 508 with glycine.
Molecular consequence: missense variant.
Genome position (GRCh38, 1-based): chr19:6,710,803, G>C on the plus strand (C>G on the coding strand, the complement: C3 is on the minus strand). VCF-style: chr19-6710803-G-C. GRCh37 (hg19) VCF-style: chr19-6710814-G-C.
Other names: short protein forms R508G.
Identifiers: ClinVar variation 1036549 (VCV001036549.8), dbSNP rs1967906578, ClinGen allele CA403640593.

ClinVar aggregate classification (germline): Uncertain significance (1 of 4 stars; one submission).

gnomAD v4.1: 16 of 1,613,950 alleles (0.00099%); highest among the groups gnomAD compares: Non-Finnish European, 0.0011%; no homozygotes.

Submission:

Labcorp Genetics (formerly Invitae), Labcorp
Classification: Uncertain significance. Last evaluated: 2023-03-30. Review status: criteria provided, single submitter. Criteria: Invitae Variant Classification Sherloc (09022015). Collection method: clinical testing. Allele origin: germline.
Comment: This variant is not present in population databases (gnomAD no frequency). This variant has not been reported in the literature in individuals affected with C3-related conditions. ClinVar contains an entry for this variant (Variation ID: 1036549). An algorithm developed to predict the effect of missense changes on protein structure and function (PolyPhen-2) suggests that this variant is likely to be disruptive. In summary, the available evidence is currently insufficient to determine the role of this variant in disease. Therefore, it has been classified as a Variant of Uncertain Significance. This sequence change replaces arginine, which is basic and polar, with glycine, which is neutral and non-polar, at codon 508 of the C3 protein (p.Arg508Gly).